The following is an entry in ClinVar:

ClinVar aggregate classification (germline): Uncertain significance (1 of 4 stars; one submission).

gnomAD v4.1: 3 of 1,614,014 alleles (0.00019%); highest among the groups gnomAD compares: African/African-American, 0.0013%; no homozygotes.

Submission:

GeneDx
Classification: Uncertain significance. Last evaluated: 2024-05-07. Review status: criteria provided, single submitter. Criteria: GeneDx Variant Classification Process June 2021. Collection method: clinical testing. Allele origin: germline. Affected: yes.
Comment: Has not been previously published as pathogenic or benign to our knowledge; Not observed at significant frequency in large population cohorts (gnomAD); In silico analysis supports that this missense variant has a deleterious effect on protein structure/function

NM_001079843.3(CASZ1):c.1529G>A (p.Arg510His)

Gene: CASZ1 (castor zinc finger 1; minus strand). Cytogenetic location: 1p36.22.
Variant type: single nucleotide variant.
Coding change: c.1529G>A on transcript NM_001079843.3 (MANE Select); coding-DNA position 1529, G replaced by A.
Protein change: p.Arg510His; replaces arginine 510 with histidine.
Molecular consequence: missense variant.
Genome position (GRCh38, 1-based): chr1:10,655,785, C>T on the plus strand (G>A on the coding strand, the complement: CASZ1 is on the minus strand). VCF-style: chr1-10655785-C-T. GRCh37 (hg19) VCF-style: chr1-10715842-C-T.
Other names: c.1529G>A, p.Arg510His (NM_017766.5); short protein forms R510H.
Identifiers: ClinVar variation 3375576 (VCV003375576.1).